The following is an entry in ClinVar:

ClinVar aggregate classification (germline): Uncertain significance (1 of 4 stars; one submission).

Conditions:
Charcot-Marie-Tooth disease X-linked dominant 6. Also called: CHARCOT-MARIE-TOOTH NEUROPATHY, X-LINKED DOMINANT, 6. Identifiers: Orphanet 352675, MedGen C3806702, MONDO:0010479, OMIM 300905.

Submission:

Labcorp Genetics (formerly Invitae), Labcorp
Classification: Uncertain significance for Charcot-Marie-Tooth disease X-linked dominant 6. Last evaluated: 2022-03-30. Review status: criteria provided, single submitter. Criteria: Invitae Variant Classification Sherloc (09022015). Collection method: clinical testing. Allele origin: germline.
Comment: This sequence change creates a premature translational stop signal (p.Pro54Lysfs*9) in the PDK3 gene. It is expected to result in an absent or disrupted protein product. However, the current clinical and genetic evidence is not sufficient to establish whether loss-of-function variants in PDK3 cause disease. In summary, the available evidence is currently insufficient to determine the role of this variant in disease. Therefore, it has been classified as a Variant of Uncertain Significance. This variant has not been reported in the literature in individuals affected with PDK3-related conditions. This variant is not present in population databases (gnomAD no frequency).

NM_005391.5(PDK3):c.149_158dup (p.Pro54fs)

Gene: PDK3 (pyruvate dehydrogenase kinase 3; plus strand). Cytogenetic location: Xp22.11.
Variant type: Duplication.
Coding change: c.149_158dup on transcript NM_005391.5 (MANE Select); coding-DNA positions 149 to 158, 10 bases duplicated (GAAAGGAACT; older notation c.149_158dupGAAAGGAACT).
Protein change: p.Pro54fs; shifts the reading frame from proline 54.
Molecular consequence: frameshift variant.
Genome position (GRCh38, 1-based): chrX:24,494,784-24,494,793, GAAAGGAACT duplicated. VCF-style (leftmost placement, unchanged base first): chrX-24494783-C-CGAAAGGAACT. GRCh37 (hg19) VCF-style: chrX-24512900-C-CGAAAGGAACT.
Other names: c.149_158dup, p.Pro54fs (NM_001142386.3); short protein forms P54fs.
Identifiers: ClinVar variation 2119685 (VCV002119685.4), dbSNP rs2518575057, ClinGen allele CA2580100506.